The following is an entry in ClinVar:

ClinVar aggregate classification (germline): Uncertain significance (1 of 4 stars; one submission).

Submission:

Labcorp Genetics (formerly Invitae), Labcorp
Classification: Uncertain significance. Last evaluated: 2025-08-06. Review status: criteria provided, single submitter. Criteria: Invitae Variant Classification Sherloc (09022015). Collection method: clinical testing. Allele origin: germline.
Comment: This sequence change replaces serine, which is neutral and polar, with cysteine, which is neutral and slightly polar, at codon 1204 of the POLE protein (p.Ser1204Cys). This variant is not present in population databases (gnomAD no frequency). This variant has not been reported in the literature in individuals affected with POLE-related conditions. Invitae Evidence Modeling of protein sequence and biophysical properties (such as structural, functional, and spatial information, amino acid conservation, physicochemical variation, residue mobility, and thermodynamic stability) indicates that this missense variant is not expected to disrupt POLE protein function with a negative predictive value of 80%. In summary, the available evidence is currently insufficient to determine the role of this variant in disease. Therefore, it has been classified as a Variant of Uncertain Significance.

NM_006231.4(POLE):c.3610A>T (p.Ser1204Cys)

Gene: POLE (DNA polymerase epsilon, catalytic subunit; minus strand). Cytogenetic location: 12q24.33.
Variant type: single nucleotide variant.
Coding change: c.3610A>T on transcript NM_006231.4 (MANE Select); coding-DNA position 3610, A replaced by T.
Protein change: p.Ser1204Cys; replaces serine 1204 with cysteine.
Molecular consequence: missense variant.
Genome position (GRCh38, 1-based): chr12:132,649,862, T>A on the plus strand (A>T on the coding strand, the complement: POLE is on the minus strand). VCF-style: chr12-132649862-T-A. GRCh37 (hg19) VCF-style: chr12-133226448-T-A.
Other names: short protein forms S1204C.
Identifiers: ClinVar variation 4740229 (VCV004740229.1).